The following is an entry in ClinVar:

NM_138694.4(PKHD1):c.4644del (p.Tyr1549fs)

Genes: PKHD1 (PKHD1 ciliary IPT domain containing fibrocystin/polyductin; minus strand), LOC126859690 (MED14-independent group 3 enhancer GRCh37_chr6:51888848-51890047; plus strand). Cytogenetic location: 6p12.2.
Variant type: Deletion.
Coding change: c.4644del on transcript NM_138694.4 (MANE Select); coding-DNA position 4644, one base deleted (C; older notation c.4644delC).
Protein change: p.Tyr1549fs; shifts the reading frame from tyrosine 1549.
Molecular consequence: frameshift variant.
Genome position (GRCh38, 1-based): chr6:52,025,166, G deleted on the plus strand (C on the coding strand, the reverse complement: PKHD1 is on the minus strand). VCF-style (leftmost placement, unchanged base first): chr6-52025165-AG-A. GRCh37 (hg19) VCF-style: chr6-51889963-AG-A.
Other names: c.4644del, p.Tyr1549fs (NM_170724.3); c.4644delC (NM_138694.4); short protein forms Y1549fs.
Identifiers: ClinVar variation 1177406 (VCV001177406.6), dbSNP rs2128143028, ClinGen allele CA2499218372.

ClinVar aggregate classification (germline): Pathogenic. Review status: criteria provided, multiple submitters, no conflicts (2 of 4 stars). 4 submissions from 3 submitters: Pathogenic (4). Last evaluated 2026-08-29.

Conditions:
Polycystic kidney disease 4 (PKD4). Also called: POLYCYSTIC KIDNEY AND HEPATIC DISEASE 1; POLYCYSTIC KIDNEY DISEASE, INFANTILE, TYPE I; POLYCYSTIC KIDNEY DISEASE 4 WITH OR WITHOUT POLYCYSTIC LIVER DISEASE; PKD3; Autosomal Recessive Polycystic Kidney Disease – PKHD1. Identifiers: MedGen C4540575, MONDO:0033004, OMIM 263200.
Autosomal recessive polycystic kidney disease (ARPKD). Also called: AR polycystic kidney disease. Identifiers: Orphanet 731, Orphanet 8378, MedGen C0085548, MeSH D017044, MONDO:0009889.

Submissions (4):

Myriad Genetics, Inc.
Classification: Pathogenic for Polycystic kidney disease 4. Last evaluated: 2026-08-29. Review status: criteria provided, single submitter. Criteria: Myriad Autosomal Dominant, Autosomal Recessive and X-Linked Classification Criteria (2023). Collection method: clinical testing. Allele origin: unknown.
Comment: NM_138694.3(PKHD1):c.4644delC(Y1549Tfs*43) is expected to be pathogenic in the context of autosomal recessive polycystic kidney disease, PKHD1-related. This variant is predicted to lead to an abnormal or absent protein product due to the creation of a premature termination codon in PKHD1, a gene where loss-of-function variants are known to be pathogenic. Please note: this variant was assessed in the context of healthy population screening.

Genomic Medicine Center of Excellence, King Faisal Specialist Hospital and Research Centre
Classification: Pathogenic for Polycystic kidney disease 4. Last evaluated: 2024-03-25. Review status: criteria provided, single submitter. Criteria: ACMG Guidelines, 2015. Collection method: clinical testing. Allele origin: germline.

Daryl Scott Lab, Baylor College of Medicine
Classification: Pathogenic for Polycystic kidney disease 4. Last evaluated: 2024-01-01. Review status: criteria provided, single submitter. Criteria: ACMG Guidelines, 2015. Collection method: clinical testing. Allele origin: biparental. Affected: yes. Observed: 1 homozygote.
Comment: PVS1, PM2

Genomic Medicine Center of Excellence, King Faisal Specialist Hospital and Research Centre
Classification: Pathogenic for Autosomal recessive polycystic kidney disease. Last evaluated: 2021-01-04. Review status: criteria provided, single submitter. Criteria: ACMG Guidelines, 2015. Collection method: clinical testing. Allele origin: germline. Affected: yes.